The following is an entry in ClinVar:

ClinVar aggregate classification (germline): Conflicting classifications of pathogenicity. Review status: criteria provided, conflicting classifications (1 of 4 stars). 7 submissions from 6 submitters: Uncertain significance (5); Likely benign (1). 1 of the submissions does not count toward it. Last evaluated 2026-01-14.

Conditions:
Congenital myasthenic syndrome 11. Also called: Myasthenic syndrome, congenital, 11, associated with acetylcholine receptor deficiency; MYASTHENIC SYNDROME, CONGENITAL, Ie. Identifiers: Orphanet 590, MedGen C4225367, MONDO:0014588, OMIM 616326.
Congenital myasthenic syndrome (CMS). Also called: Congenital Myasthenic Syndromes. Identifiers: Orphanet 590, MedGen C0751882, MeSH D020294, MONDO:0018940.
Fetal akinesia deformation sequence 1 (FADS1). Also called: Fetal akinesia sequence; Pena-Shokeir syndrome type I. Identifiers: Orphanet 994, MedGen C1276035, MONDO:0100101, OMIM 208150, HP:0001989.
Inborn genetic diseases. Identifiers: MedGen C0950123, MeSH D030342.

Allele frequency attached by ClinVar (database versions not stated): gnomAD exomes 0.00006 and 0.00019; 1000 Genomes Project 30x 0.00016; 1000 Genomes Project 0.00020; ExAC 0.00029; gnomAD 0.00059 and 0.00067; ESP Exome Variant Server 0.00063; TOPMed 0.00069.

Submissions (7):

Labcorp Genetics (formerly Invitae), Labcorp
Classification: Likely benign for Congenital myasthenic syndrome 11; Fetal akinesia deformation sequence 1. Last evaluated: 2026-01-14. Review status: criteria provided, single submitter. Criteria: Invitae Variant Classification Sherloc (09022015). Collection method: clinical testing. Allele origin: germline.

Ambry Genetics
Classification: Uncertain significance for Inborn genetic diseases. Last evaluated: 2021-10-05. Review status: criteria provided, single submitter. Criteria: Ambry Variant Classification Scheme 2023. Collection method: clinical testing. Allele origin: germline.

Revvity Omics, Revvity
Classification: Uncertain significance. Last evaluated: 2020-07-21. Review status: criteria provided, single submitter. Criteria: ACMG Guidelines, 2015. Collection method: clinical testing. Allele origin: germline.

GeneDx
Classification: Uncertain significance. Last evaluated: 2020-02-06. Review status: criteria provided, single submitter. Criteria: GeneDx Variant Classification Process June 2021. Collection method: clinical testing. Allele origin: germline. Affected: yes.
Comment: In silico analysis supports that this missense variant does not alter protein structure/function; Has not been previously published as pathogenic or benign to our knowledge

Illumina Laboratory Services, Illumina
Classification: Uncertain significance for Fetal akinesia deformation sequence 1. Last evaluated: 2018-01-13. Review status: criteria provided, single submitter. Criteria: ICSL Variant Classification Criteria 13 December 2019. Collection method: clinical testing. Allele origin: germline.

Illumina Laboratory Services, Illumina
Classification: Uncertain significance for Congenital myasthenic syndrome 11. Last evaluated: 2018-01-13. Review status: criteria provided, single submitter. Criteria: ICSL Variant Classification Criteria 13 December 2019. Collection method: clinical testing. Allele origin: germline.

Natera, Inc.
Classification: Likely benign for Congenital myasthenic syndrome. Last evaluated: 2019-11-11. Review status: no assertion criteria provided. Collection method: clinical testing. Allele origin: germline. Not counted in ClinVar's aggregate classification.

NM_005055.5(RAPSN):c.1190G>A (p.Arg397Gln)

Gene: RAPSN (receptor associated protein of the synapse; minus strand). Cytogenetic location: 11p11.2.
Variant type: single nucleotide variant.
Coding change: c.1190G>A on transcript NM_005055.5 (MANE Select); coding-DNA position 1190, G replaced by A.
Protein change: p.Arg397Gln; replaces arginine 397 with glutamine.
Molecular consequence: missense variant.
Genome position (GRCh38, 1-based): chr11:47,438,024, C>T on the plus strand (G>A on the coding strand, the complement: RAPSN is on the minus strand). VCF-style: chr11-47438024-C-T. GRCh37 (hg19) VCF-style: chr11-47459575-C-T.
Other names: c.1013G>A, p.Arg338Gln (NM_032645.5); short protein forms R338Q, R397Q.
Identifiers: ClinVar variation 771638 (VCV000771638.19), dbSNP rs139398367, ClinGen allele CA5976454.